The following is an entry in ClinVar:

NM_001165963.4(SCN1A):c.265-137G>T

Gene: SCN1A (sodium voltage-gated channel alpha subunit 1; minus strand). Cytogenetic location: 2q24.3.
Variant type: single nucleotide variant.
Coding change: c.265-137G>T on transcript NM_001165963.4 (MANE Select); 137 bases into the intron before coding-DNA position 265, G replaced by T.
Molecular consequence: intron variant.
Genome position (GRCh38, 1-based): chr2:166,058,825, C>A on the plus strand (G>T on the coding strand, the complement: SCN1A is on the minus strand). VCF-style: chr2-166058825-C-A. GRCh37 (hg19) VCF-style: chr2-166915335-C-A.
Other names: NC_000002.11:g.166915335C>A; c.265-137G>T (NM_001353949.2, NM_001353958.2, NM_001353950.2 and 10 more transcripts); c.-2161-137G>T (NM_001353961.2).
Identifiers: ClinVar variation 669294 (VCV000669294.3), dbSNP rs10930201, ClinGen allele CA59804408.

ClinVar aggregate classification (germline): Benign. Review status: criteria provided, multiple submitters, no conflicts (2 of 4 stars). 2 submissions from 2 submitters: Benign (2). Last evaluated 2018-06-14.

Allele frequency attached by ClinVar (database versions not stated): 1000 Genomes Project 0.70767; TOPMed 0.65812; gnomAD 0.66621 and 0.66082; 1000 Genomes Project 30x 0.69972; gnomAD exomes 0.70237.
gnomAD v4.1: 429,682 of 620,674 alleles (69%); highest among the groups gnomAD compares: East Asian, 89%; 150,744 homozygotes.

Submissions (3):

GeneDx
Classification: Benign. Last evaluated: 2018-06-14. Review status: criteria provided, single submitter. Criteria: GeneDx Variant Classification (06012015). Collection method: clinical testing. Allele origin: germline. Affected: yes.
Comment: This variant is considered likely benign or benign based on one or more of the following criteria: it is a conservative change, it occurs at a poorly conserved position in the protein, it is predicted to be benign by multiple in silico algorithms, and/or has population frequency not consistent with disease.

Breakthrough Genomics
Classification: Benign. Review status: criteria provided, single submitter. Criteria: ACMG Guidelines, 2015. Collection method: not provided. Allele origin: germline. Inheritance: Autosomal dominant inheritance. Affected: yes.

Dr. Peter K. Rogan Lab, Western University
No classification provided (evidence only). Condition: Malignant lymphoma, large B-cell, diffuse. Review status: no classification provided. Collection method: in vitro. Allele origin: not applicable. Functional consequence: retained intron. Not counted in ClinVar's aggregate classification.